The following is an entry in ClinVar:

ClinVar aggregate classification (germline): Uncertain significance (1 of 4 stars; one submission).

Allele frequency attached by ClinVar (database versions not stated): TOPMed below 0.00001.

Submission:

Ambry Genetics
Classification: Uncertain significance. Last evaluated: 2021-12-21. Review status: criteria provided, single submitter. Criteria: Ambry Variant Classification Scheme 2023. Collection method: clinical testing. Allele origin: germline.
Comment: The p.V1705M variant (also known as c.5113G>A), located in coding exon 4 of the ALPK2 gene, results from a G to A substitution at nucleotide position 5113. The valine at codon 1705 is replaced by methionine, an amino acid with highly similar properties. This amino acid position is conserved. In addition, this alteration is predicted to be tolerated by in silico analysis. Since supporting evidence is limited at this time, the clinical significance of this alteration remains unclear.

NM_052947.4(ALPK2):c.5113G>A (p.Val1705Met)

Genes: ALPK2 (alpha kinase 2; minus strand), LOC130062577 (ATAC-STARR-seq lymphoblastoid active region 13389; plus strand). Cytogenetic location: 18q21.31.
Variant type: single nucleotide variant.
Coding change: c.5113G>A on transcript NM_052947.4 (MANE Select); coding-DNA position 5113, G replaced by A.
Protein change: p.Val1705Met; replaces valine 1705 with methionine.
Molecular consequence: missense variant.
Genome position (GRCh38, 1-based): chr18:58,535,074, C>T on the plus strand (G>A on the coding strand, the complement: ALPK2 is on the minus strand). VCF-style: chr18-58535074-C-T. GRCh37 (hg19) VCF-style: chr18-56202306-C-T.
Other names: short protein forms V1705M.
Identifiers: ClinVar variation 1745424 (VCV001745424.2), dbSNP rs2051636288, ClinGen allele CA402558109.